The following is an entry in ClinVar:

ClinVar aggregate classification (germline): Likely benign. Review status: criteria provided, multiple submitters, no conflicts (2 of 4 stars). 3 submissions from 3 submitters: Likely benign (3). Last evaluated 2024-11-01.

Allele frequency attached by ClinVar (database versions not stated): gnomAD 0.00001 and 0.00005; TOPMed 0.00001; ExAC 0.00009; 1000 Genomes Project 0.00020; 1000 Genomes Project 30x 0.00031.
gnomAD v4.1: 56 of 1,613,584 alleles (0.0035%); highest among the groups gnomAD compares: South Asian, 0.041%; no homozygotes.

Submissions (3):

CeGaT Center for Human Genetics Tuebingen
Classification: Likely benign. Last evaluated: 2024-11-01. Review status: criteria provided, single submitter. Criteria: CeGaT Center For Human Genetics Tuebingen Variant Classification Criteria Version 2. Collection method: clinical testing. Allele origin: germline. Affected: yes. Observed: 1 variant allele.
Comment: GEMIN4: BP4, BP7

Labcorp Genetics (formerly Invitae), Labcorp
Classification: Likely benign. Last evaluated: 2018-11-16. Review status: criteria provided, single submitter. Criteria: Invitae Variant Classification Sherloc (09022015). Collection method: clinical testing. Allele origin: germline.

Breakthrough Genomics
Classification: Likely benign. Review status: criteria provided, single submitter. Criteria: ACMG Guidelines, 2015. Collection method: not provided. Allele origin: germline. Inheritance: Autosomal recessive inheritance. Affected: yes.

NM_015721.3(GEMIN4):c.1176G>A (p.Thr392=)

Gene: GEMIN4 (gem nuclear organelle associated protein 4; minus strand). Cytogenetic location: 17p13.3.
Variant type: single nucleotide variant.
Coding change: c.1176G>A on transcript NM_015721.3 (MANE Select); coding-DNA position 1176, G replaced by A.
Protein change: p.Thr392=; no amino-acid change (threonine 392 retained).
Molecular consequence: synonymous variant.
Genome position (GRCh38, 1-based): chr17:746,867, C>T on the plus strand (G>A on the coding strand, the complement: GEMIN4 is on the minus strand). VCF-style: chr17-746867-C-T. GRCh37 (hg19) VCF-style: chr17-650107-C-T.
Identifiers: ClinVar variation 794644 (VCV000794644.17), dbSNP rs190911090, ClinGen allele CA8262695.